The following is an entry in ClinVar:

NM_012062.5(DNM1L):c.2146A>G (p.Met716Val)

Gene: DNM1L (dynamin 1 like; plus strand). Cytogenetic location: 12p11.21.
Variant type: single nucleotide variant.
Coding change: c.2146A>G on transcript NM_012062.5 (MANE Select); coding-DNA position 2146, A replaced by G.
Protein change: p.Met716Val; replaces methionine 716 with valine.
Molecular consequence: missense variant.
Genome position (GRCh38, 1-based): chr12:32,742,740, A>G. VCF-style: chr12-32742740-A-G. GRCh37 (hg19) VCF-style: chr12-32895674-A-G.
Other names: c.2113A>G, p.Met705Val (NM_001278463.2); c.2185A>G, p.Met729Val (NM_001278464.2); c.2152A>G, p.Met718Val (NM_001278465.2); c.1537A>G, p.Met513Val (NM_001278466.2); c.2074A>G, p.Met692Val (NM_001330380.2); c.2035A>G, p.Met679Val (NM_005690.5); c.2068A>G, p.Met690Val (NM_012063.4); short protein forms M513V, M679V, M729V, M690V, M692V, M705V, M716V, M718V.
Identifiers: ClinVar variation 2286436 (VCV002286436.3), dbSNP rs764865265, ClinGen allele CA6507769.

ClinVar aggregate classification (germline): Uncertain significance. Review status: criteria provided, multiple submitters, no conflicts (2 of 4 stars). 2 submissions from 2 submitters: Uncertain significance (2). Last evaluated 2026-01-12.

Conditions:
Inborn genetic diseases. Identifiers: MedGen C0950123, MeSH D030342.

Allele frequency attached by ClinVar (database versions not stated): ExAC 0.00001; gnomAD 0.00001; gnomAD exomes 0.00001; TOPMed 0.00001.
gnomAD v4.1: 14 of 1,614,016 alleles (0.00087%); highest among the groups gnomAD compares: South Asian, 0.0011%; no homozygotes.

Submissions (2):

Labcorp Genetics (formerly Invitae), Labcorp
Classification: Uncertain significance. Last evaluated: 2026-01-12. Review status: criteria provided, single submitter. Criteria: Invitae Variant Classification Sherloc (09022015). Collection method: clinical testing. Allele origin: germline.
Comment: This sequence change replaces methionine, which is neutral and non-polar, with valine, which is neutral and non-polar, at codon 716 of the DNM1L protein (p.Met716Val). This variant is present in population databases (rs764865265, gnomAD 0.003%). This variant has not been reported in the literature in individuals affected with DNM1L-related conditions. ClinVar contains an entry for this variant (Variation ID: 2286436). An algorithm developed to predict the effect of missense changes on protein structure and function (PolyPhen-2) suggests that this variant is likely to be disruptive. In summary, the available evidence is currently insufficient to determine the role of this variant in disease. Therefore, it has been classified as a Variant of Uncertain Significance.

Ambry Genetics
Classification: Uncertain significance for Inborn genetic diseases. Last evaluated: 2022-04-27. Review status: criteria provided, single submitter. Criteria: Ambry Variant Classification Scheme 2023. Collection method: clinical testing. Allele origin: germline.